The following is an entry in ClinVar:

NC_000023.10:g.(?_31676140)_(31966214_?)del

Gene: DMD (dystrophin; minus strand). Cytogenetic location: Xp21.1.
Variant type: Deletion.
Identifiers: ClinVar variation 3243616 (VCV003243616.1).

ClinVar aggregate classification (germline): Pathogenic (1 of 4 stars; one submission).

Conditions:
Duchenne muscular dystrophy (DMD). Also called: MUSCULAR DYSTROPHY, PSEUDOHYPERTROPHIC PROGRESSIVE, DUCHENNE TYPE; Duchenne Muscular Dystrophy (DMD). Identifiers: Orphanet 98896, MedGen C0013264, MONDO:0010679, OMIM 310200.

Submission:

Labcorp Genetics (formerly Invitae), Labcorp
Classification: Pathogenic for Duchenne muscular dystrophy. Last evaluated: 2023-09-05. Review status: criteria provided, single submitter. Criteria: Invitae Variant Classification Sherloc (09022015). Collection method: clinical testing. Allele origin: unknown.
Comment: This variant results in the deletion of exons 46-53 and part of exon 54 (c.6615-15870_7994delins48) of the DMD gene. It is expected to disrupt RNA splicing. Variants that disrupt the donor or acceptor splice site typically lead to a loss of protein function (PMID: 16199547), and loss-of-function variants in DMD are known to be pathogenic (PMID: 16770791, 25007885). This variant has not been reported in the literature in individuals affected with DMD-related conditions. For these reasons, this variant has been classified as Pathogenic. This variant disrupts a region of the DMD protein in which other variant(s) (Deletion (Exons 50-51)) have been determined to be pathogenic (PMID: 8543940, 23667215, 25482253). This suggests that this is a clinically significant region of the protein, and that variants that disrupt it are likely to be disease-causing.

Literature cited by the submitters: PubMed 16199547; PubMed 16770791; PubMed 25007885; PubMed 8543940; PubMed 23667215; PubMed 25482253.